The following is an entry in ClinVar:

ClinVar aggregate classification (germline): Benign. Review status: criteria provided, multiple submitters, no conflicts (2 of 4 stars). 4 submissions from 4 submitters: Benign (3). 1 of the submissions does not count toward it. Last evaluated 2026-02-02.

Conditions:
GZF1-related disorder. Also called: GZF1-related condition.

Allele frequency attached by ClinVar (database versions not stated): gnomAD exomes 0.04659 and 0.05731; gnomAD 0.09293 and 0.08979; 1000 Genomes Project 0.09944; TOPMed 0.09585; ExAC 0.05955; 1000 Genomes Project 30x 0.10087; ESP Exome Variant Server 0.10088.
gnomAD v4.1: 82,507 of 1,613,970 alleles (5.1%); highest among the groups gnomAD compares: African/African-American, 20%; 3,257 homozygotes.

Submissions (4):

Labcorp Genetics (formerly Invitae), Labcorp
Classification: Benign. Last evaluated: 2026-02-02. Review status: criteria provided, single submitter. Criteria: Invitae Variant Classification Sherloc (09022015). Collection method: clinical testing. Allele origin: germline.

GeneDx
Classification: Benign. Last evaluated: 2021-05-04. Review status: criteria provided, single submitter. Criteria: GeneDx Variant Classification Process June 2021. Collection method: clinical testing. Allele origin: germline. Affected: yes.

Breakthrough Genomics
Classification: Benign. Review status: criteria provided, single submitter. Criteria: ACMG Guidelines, 2015. Collection method: not provided. Allele origin: germline. Inheritance: Autosomal recessive inheritance. Affected: yes.

PreventionGenetics, part of Exact Sciences
Classification: Benign for GZF1-related condition. Last evaluated: 2020-01-02. Review status: no assertion criteria provided. Collection method: clinical testing. Allele origin: germline. Not counted in ClinVar's aggregate classification.
Comment: This variant is classified as benign based on ACMG/AMP sequence variant interpretation guidelines (Richards et al. 2015 PMID: 25741868, with internal and published modifications).

NM_022482.5(GZF1):c.1848C>T (p.Asn616=)

Gene: GZF1 (GDNF inducible zinc finger protein 1; plus strand). Cytogenetic location: 20p11.21.
Variant type: single nucleotide variant.
Coding change: c.1848C>T on transcript NM_022482.5 (MANE Select); coding-DNA position 1848, C replaced by T.
Protein change: p.Asn616=; no amino-acid change (asparagine 616 retained).
Molecular consequence: synonymous variant. On other transcripts: missense variant (1).
Genome position (GRCh38, 1-based): chr20:23,370,153, C>T. VCF-style: chr20-23370153-C-T. GRCh37 (hg19) VCF-style: chr20-23350790-C-T.
Other names: c.1848C>T, p.Asn616= (NM_001317012.2); c.1802C>T, p.Thr601Met (NM_001317019.1); short protein forms T601M.
Identifiers: ClinVar variation 1222279 (VCV001222279.14), dbSNP rs10485644, ClinGen allele CA9788832.
Genomic context (GRCh38, chr20:23,370,153, plus strand): 5'-ACACGATAAGAATACTCCATGGAAGTCTTTCCTTGTCATTGTAGATGGCTCGCCCAAGAA[C>T]GATGACGGACACAAGACTGAACAGCCTGACGAAGAGTATGTGTCATCCAAGCTTTCGGAT-3'
Protein context (NP_071927.1, residues 606-626): FLVIVDGSPK[Asn616=]DDGHKTEQPD